The following is an entry in ClinVar:

ClinVar aggregate classification (germline): Likely benign (1 of 4 stars; one submission).

Allele frequency attached by ClinVar (database versions not stated): gnomAD exomes 0.00001.
gnomAD v4.1: 8 of 1,610,282 alleles (0.0005%); highest among the groups gnomAD compares: Non-Finnish European, 0.00068%; no homozygotes.

Submission:

CeGaT Center for Human Genetics Tuebingen
Classification: Likely benign. Last evaluated: 2022-03-01. Review status: criteria provided, single submitter. Criteria: CeGaT Center For Human Genetics Tuebingen Variant Classification Criteria Version 2. Collection method: clinical testing. Allele origin: germline. Affected: yes. Observed: 1 variant allele.
Comment: PARD3: BP4, BP7

NM_001184785.2(PARD3):c.828A>G (p.Glu276=)

Gene: PARD3 (par-3 family cell polarity regulator; minus strand). Cytogenetic location: 10p11.21.
Variant type: single nucleotide variant.
Coding change: c.828A>G on transcript NM_001184785.2 (MANE Select); coding-DNA position 828, A replaced by G.
Protein change: p.Glu276=; no amino-acid change (glutamic acid 276 retained).
Molecular consequence: synonymous variant.
Genome position (GRCh38, 1-based): chr10:34,399,392, T>C on the plus strand (A>G on the coding strand, the complement: PARD3 is on the minus strand). VCF-style: chr10-34399392-T-C. GRCh37 (hg19) VCF-style: chr10-34688320-T-C.
Other names: c.828A>G, p.Glu276= (NM_001184786.2, NM_001184787.2, NM_001184788.2 and 5 more transcripts); c.696A>G, p.Glu232= (NM_001184790.2, NM_001184791.2).
Identifiers: ClinVar variation 2640402 (VCV002640402.24), dbSNP rs2496256630, ClinGen allele CA468848008.